The following is an entry in ClinVar:

ClinVar aggregate classification (germline): Likely pathogenic (1 of 4 stars; one submission).

Submission:

GeneDx
Classification: Likely pathogenic. Last evaluated: 2012-04-02. Review status: criteria provided, single submitter. Criteria: GeneDx Variant Classification (06012015). Collection method: clinical testing. Allele origin: germline. Affected: yes.
Comment: The Ser1199Arg variant in the MYH7 gene has not been reported previously as a disease-causing mutation nor as a benign polymorphism, to our knowledge. Ser1199Arg results in a semi-conservative amino acid substitution of a neutral, polar Serine with a positively charged Arginine at a residue that is conserved across species. In silico analysis predicts Ser1199Arg is probably damaging to the protein structure/function. Mutations in nearby codons (Arg1193Ser, Glu1205Lys) have been reported in association with cardiomyopathy, supporting the functional importance of this region of the protein. In addition, the NHLBI ESP Exome Variant Server reports Ser1199Arg was not observed in approximately 5,000 samples from individuals of European and African American backgrounds, indicating it is not a common benign variant in these populations. In summary, while the Ser1199Arg variant in the MYH7 gene is a good candidate for a disease-causing mutation, we cannot unequivocally determine the clinical significance of this variant with the clinical and molecular information available at this time. The variant is found in HCM panel(s).

NM_000257.4(MYH7):c.3597C>G (p.Ser1199Arg)

Gene: MYH7 (myosin heavy chain 7; minus strand). Cytogenetic location: 14q11.2.
Variant type: single nucleotide variant.
Coding change: c.3597C>G on transcript NM_000257.4 (MANE Select); coding-DNA position 3597, C replaced by G.
Protein change: p.Ser1199Arg; replaces serine 1199 with arginine.
Molecular consequence: missense variant.
Genome position (GRCh38, 1-based): chr14:23,419,974, G>C on the plus strand (C>G on the coding strand, the complement: MYH7 is on the minus strand). VCF-style: chr14-23419974-G-C. GRCh37 (hg19) VCF-style: chr14-23889183-G-C.
Other names: p.S1199R:AGC>AGG; c.3597C>G (LRG_384t1); short protein forms S1199R.
Identifiers: ClinVar variation 181228 (VCV000181228.2), dbSNP rs730880779, ClinGen allele CA013829.